The following is an entry in ClinVar:

NM_004415.4(DSP):c.8422G>A (p.Val2808Met)

Gene: DSP (desmoplakin; plus strand). Cytogenetic location: 6p24.3.
Variant type: single nucleotide variant.
Coding change: c.8422G>A on transcript NM_004415.4 (MANE Select); coding-DNA position 8422, G replaced by A.
Protein change: p.Val2808Met; replaces valine 2808 with methionine.
Molecular consequence: missense variant.
Genome position (GRCh38, 1-based): chr6:7,585,684, G>A. VCF-style: chr6-7585684-G-A. GRCh37 (hg19) VCF-style: chr6-7585917-G-A.
Other names: c.6625G>A, p.Val2209Met (NM_001008844.3); c.7093G>A, p.Val2365Met (NM_001319034.2); short protein forms V2209M, V2365M, V2808M.
Identifiers: ClinVar variation 1172021 (VCV001172021.3), dbSNP rs755395389, ClinGen allele CA052294.

ClinVar aggregate classification (germline): Uncertain significance (1 of 4 stars; one submission).

Conditions:
Cardiomyopathy (CMYO). Also called: Cardiomyopathies. Identifiers: Orphanet 167848, MedGen C0878544, MONDO:0004994, HP:0001638. Inheritance: Various modes of inheritance.

Allele frequency attached by ClinVar (database versions not stated): ExAC 0.00001.
gnomAD v4.1: 1 of 1,614,206 alleles (0.000062%); highest among the groups gnomAD compares: Non-Finnish European, 0.000085%; no homozygotes.

Submission:

Color Diagnostics, LLC DBA Color Health
Classification: Uncertain significance for Cardiomyopathy. Last evaluated: 2024-03-06. Review status: criteria provided, single submitter. Criteria: ACMG Guidelines, 2015. Collection method: clinical testing. Allele origin: germline.
Comment: This missense variant replaces valine with methionine at codon 2808 of the DSP protein. Computational prediction suggests that this variant may not impact protein structure and function (internally defined REVEL score threshold <= 0.5, PMID: 27666373). To our knowledge, functional studies have not been reported for this variant. This variant has not been reported in individuals affected with cardiovascular disorders in the literature. This variant has not been identified in the general population by the Genome Aggregation Database (gnomAD). The available evidence is insufficient to determine the role of this variant in disease conclusively. Therefore, this variant is classified as a Variant of Uncertain Significance.